The following is an entry in ClinVar:

NM_004415.4(DSP):c.8462C>T (p.Ser2821Leu)

Gene: DSP (desmoplakin; plus strand). Cytogenetic location: 6p24.3.
Variant type: single nucleotide variant.
Coding change: c.8462C>T on transcript NM_004415.4 (MANE Select); coding-DNA position 8462, C replaced by T.
Protein change: p.Ser2821Leu; replaces serine 2821 with leucine.
Molecular consequence: missense variant.
Genome position (GRCh38, 1-based): chr6:7,585,724, C>T. VCF-style: chr6-7585724-C-T. GRCh37 (hg19) VCF-style: chr6-7585957-C-T.
Other names: c.6665C>T, p.Ser2222Leu (NM_001008844.3); c.7133C>T, p.Ser2378Leu (NM_001319034.2); c.8462C>T (LRG_423t1); short protein forms S2821L, S2378L, S2222L.
Identifiers: ClinVar variation 191646 (VCV000191646.25), dbSNP rs201826850, ClinGen allele CA007566.
Genomic context (GRCh38, chr6:7,585,724, plus strand): 5'-GCCTTCTGGAAGCCGCCTCCGTGTCGTCCAAGGGCTTACCCAGCCCTTACAACATGTCTT[C>T]GGCTCCGGGGTCCCGCTCCGGCTCCCGCTCGGGATCTCGCTCCGGATCTCGCTCCGGGTC-3'
Protein context (NP_004406.2, residues 2811-2831): KGLPSPYNMS[Ser2821Leu]APGSRSGSRS

ClinVar aggregate classification (germline): Conflicting classifications of pathogenicity. Review status: criteria provided, conflicting classifications (1 of 4 stars). 7 submissions from 5 submitters: Uncertain significance (5); Likely benign (2). Last evaluated 2025-10-19.

Conditions:
Cardiovascular phenotype. Identifiers: MedGen CN230736.
Arrhythmogenic cardiomyopathy with wooly hair and keratoderma. Also called: Arrhythmogenic cardiomyopathy with woolly hair and keratoderma; Dilated cardiomyopathy with woolly hair and keratoderma; PALMOPLANTAR KERATODERMA WITH LEFT VENTRICULAR CARDIOMYOPATHY AND WOOLLY HAIR; Carvajal syndrome. Identifiers: Orphanet 65282, MedGen C1854063, MONDO:0011581, OMIM 605676.
Arrhythmogenic right ventricular dysplasia 8 (ARVD8). Also called: ARRHYTHMOGENIC RIGHT VENTRICULAR DYSPLASIA, FAMILIAL, 8; ARRHYTHMOGENIC RIGHT VENTRICULAR CARDIOMYOPATHY 8; Arrhythmogenic Right Ventricular Dysplasia/Cardiomyopathy 8. Identifiers: MedGen C1843896, MONDO:0011831, OMIM 607450.
Lethal acantholytic epidermolysis bullosa (EBLA). Identifiers: Orphanet 158687, MedGen C1864826, MONDO:0012323, OMIM 609638.
Woolly hair-skin fragility syndrome (WHSF). Identifiers: Orphanet 293165, MedGen C1843292, MONDO:0957307, OMIM 620415.
Cardiomyopathy (CMYO). Also called: Cardiomyopathies. Identifiers: Orphanet 167848, MedGen C0878544, MONDO:0004994, HP:0001638. Inheritance: Various modes of inheritance.

Allele frequency attached by ClinVar (database versions not stated): ExAC 0.00002; TOPMed 0.00002; gnomAD exomes 0.00003 and 0.00005.
gnomAD v4.1: 53 of 1,612,286 alleles (0.0033%); highest among the groups gnomAD compares: Admixed American, 0.0084%; no homozygotes.

Submissions (7):

Labcorp Genetics (formerly Invitae), Labcorp
Classification: Likely benign for Arrhythmogenic cardiomyopathy with wooly hair and keratoderma; Arrhythmogenic right ventricular dysplasia 8. Last evaluated: 2025-10-19. Review status: criteria provided, single submitter. Criteria: Invitae Variant Classification Sherloc (09022015). Collection method: clinical testing. Allele origin: germline.

Color Diagnostics, LLC DBA Color Health
Classification: Uncertain significance for Cardiomyopathy. Last evaluated: 2024-04-09. Review status: criteria provided, single submitter. Criteria: ACMG Guidelines, 2015. Collection method: clinical testing. Allele origin: germline.
Comment: This missense variant replaces serine with leucine at codon 2821 of the DSP protein. Computational prediction suggests that this variant may not impact protein structure and function (internally defined REVEL score threshold <= 0.5, PMID: 27666373). To our knowledge, functional studies have not been performed for this variant. This variant has been reported an individual affected with dilated cardiomyopathy (PMID: 21859740). This variant has been identified in 13/248506 chromosomes in the general population by the Genome Aggregation Database (gnomAD). The available evidence is insufficient to determine the role of this variant in disease conclusively. Therefore, this variant is classified as a Variant of Uncertain Significance.

Ambry Genetics
Classification: Likely benign for Cardiovascular phenotype. Last evaluated: 2023-02-07. Review status: criteria provided, single submitter. Criteria: Ambry Variant Classification Scheme 2023. Collection method: clinical testing. Allele origin: germline.

Illumina Laboratory Services, Illumina
Classification: Uncertain significance for Lethal acantholytic epidermolysis bullosa. Last evaluated: 2018-01-13. Review status: criteria provided, single submitter. Criteria: ICSL Variant Classification Criteria 13 December 2019. Collection method: clinical testing. Allele origin: germline.

Illumina Laboratory Services, Illumina
Classification: Uncertain significance for Arrhythmogenic cardiomyopathy with wooly hair and keratoderma. Last evaluated: 2018-01-13. Review status: criteria provided, single submitter. Criteria: ICSL Variant Classification Criteria 13 December 2019. Collection method: clinical testing. Allele origin: germline.

Illumina Laboratory Services, Illumina
Classification: Uncertain significance for Arrhythmogenic right ventricular dysplasia 8. Last evaluated: 2018-01-13. Review status: criteria provided, single submitter. Criteria: ICSL Variant Classification Criteria 13 December 2019. Collection method: clinical testing. Allele origin: germline.

Biesecker Lab/Clinical Genomics Section, National Institutes of Health
Classification: Uncertain significance. Last evaluated: 2013-06-24. Review status: criteria provided, single submitter. Criteria: Ng et al. (Circ Cardiovasc Genet. 2013). Collection method: research. Allele origin: unknown. Observed: 1 variant allele. Study: ClinSeq.
Comment: The study set was not selected for affection status in relation to any cancer. Pathogenicity categories were based on literature curation. See Pubmed ID:23861362 for details.

Medical sequencing

Literature cited by the submitters: PubMed 21859740 (cited by Color Diagnostics, LLC DBA Color Health and Ambry Genetics); PubMed 23861362 (cited by Ambry Genetics); PubMed 29802319 (cited by Ambry Genetics).